The following is an entry in ClinVar:

ClinVar aggregate classification (germline): Benign/Likely benign. Review status: criteria provided, multiple submitters, no conflicts (2 of 4 stars). 10 submissions from 10 submitters: Benign (1); Likely benign (9). Last evaluated 2025-12-21.

Conditions:
Hereditary cancer-predisposing syndrome. Also called: Hereditary neoplastic syndrome; Tumor predisposition; Neoplastic Syndromes, Hereditary; Hereditary Cancer Syndrome. Identifiers: Orphanet 140162, MedGen C0027672, MeSH D009386, MONDO:0015356.
Hereditary nonpolyposis colorectal neoplasms. Identifiers: MedGen C0009405, MeSH D003123.
Lynch syndrome 4 (LYNCH4). Also called: Hereditary non-polyposis colorectal cancer, type 4; Colorectal cancer, hereditary nonpolyposis, type 4. Identifiers: Orphanet 144, MedGen C1838333, MONDO:0013699, OMIM 614337. Disease mechanism: loss of function.

Allele frequency attached by ClinVar (database versions not stated): gnomAD 0.00003; ExAC 0.00010.

Submissions (10):

Labcorp Genetics (formerly Invitae), Labcorp
Classification: Likely benign for Hereditary nonpolyposis colorectal neoplasms. Last evaluated: 2025-12-21. Review status: criteria provided, single submitter. Criteria: Invitae Variant Classification Sherloc (09022015). Collection method: clinical testing. Allele origin: germline.

Women's Health and Genetics/Laboratory Corporation of America, LabCorp
Classification: Likely benign. Last evaluated: 2025-03-23. Review status: criteria provided, single submitter. Criteria: LabCorp Variant Classification Summary - May 2015. Collection method: clinical testing. Allele origin: germline.

CeGaT Center for Human Genetics Tuebingen
Classification: Likely benign. Last evaluated: 2025-03-01. Review status: criteria provided, single submitter. Criteria: CeGaT Center For Human Genetics Tuebingen Variant Classification Criteria Version 2. Collection method: clinical testing. Allele origin: germline. Affected: yes. Observed: 3 variant alleles.
Comment: PMS2: BP4, BP7

Myriad Genetics, Inc.
Classification: Benign for Lynch syndrome 4. Last evaluated: 2025-02-04. Review status: criteria provided, single submitter. Criteria: Myriad Autosomal Dominant, Autosomal Recessive and X-Linked Classification Criteria (2023). Collection method: clinical testing. Allele origin: unknown.
Comment: This variant is considered benign. This variant is a silent/synonymous amino acid change and it is not expected to impact splicing.

Blueprint Genetics
Classification: Likely benign. Last evaluated: 2024-03-15. Review status: criteria provided, single submitter. Criteria: ACMG Guidelines, 2015. Collection method: clinical testing. Allele origin: germline.

Color Diagnostics, LLC DBA Color Health
Classification: Likely benign for Hereditary cancer-predisposing syndrome. Last evaluated: 2022-08-29. Review status: criteria provided, single submitter. Criteria: ACMG Guidelines, 2015. Collection method: clinical testing. Allele origin: germline.

Sema4
Classification: Likely benign for Hereditary cancer-predisposing syndrome. Last evaluated: 2021-10-07. Review status: criteria provided, single submitter. Criteria: Sema4 Curation Guidelines. Collection method: curation. Allele origin: germline.

GeneDx
Classification: Likely benign. Last evaluated: 2018-07-12. Review status: criteria provided, single submitter. Criteria: GeneDx Variant Classification Process June 2021. Collection method: clinical testing. Allele origin: germline. Affected: yes.

PreventionGenetics, part of Exact Sciences
Classification: Likely benign. Last evaluated: 2017-04-21. Review status: criteria provided, single submitter. Criteria: ACMG Guidelines, 2015. Collection method: clinical testing. Allele origin: germline.

Ambry Genetics
Classification: Likely benign for Hereditary cancer-predisposing syndrome. Last evaluated: 2016-03-10. Review status: criteria provided, single submitter. Criteria: Ambry Variant Classification Scheme 2023. Collection method: clinical testing. Allele origin: germline.

NM_000535.7(PMS2):c.2517C>T (p.His839=)

Gene: PMS2 (PMS1 homolog 2, mismatch repair system component; minus strand). Cytogenetic location: 7p22.1.
Variant type: single nucleotide variant.
Coding change: c.2517C>T on transcript NM_000535.7 (MANE Select); coding-DNA position 2517, C replaced by T.
Protein change: p.His839=; no amino-acid change (histidine 839 retained).
Molecular consequence: synonymous variant. On other transcripts: non-coding transcript variant (1).
Genome position (GRCh38, 1-based): chr7:5,973,471, G>A on the plus strand (C>T on the coding strand, the complement: PMS2 is on the minus strand). VCF-style: chr7-5973471-G-A. GRCh37 (hg19) VCF-style: chr7-6013102-G-A.
Other names: c.2112C>T, p.His704= (NM_001322003.2, NM_001322004.2, NM_001322005.2); c.2361C>T, p.His787= (NM_001322006.2); c.2199C>T, p.His733= (NM_001322007.2, NM_001322008.2); c.2145C>T, p.His715= (NM_001322009.2); c.1956C>T, p.His652= (NM_001322010.2); c.1584C>T, p.His528= (NM_001322011.2, NM_001322012.2); c.1944C>T, p.His648= (NM_001322013.2); c.2550C>T, p.His850= (NM_001322014.2); and 1 more.
Identifiers: ClinVar variation 480318 (VCV000480318.45), dbSNP rs747600189, ClinGen allele CA048785.
Genomic context (GRCh38, chr7:5,973,471, plus strand): 5'-AATGACACCCAGGTTGGCGATGTGTCTCATGGTTGGCCTTCCATGGGGACAGTTCCAGGG[G>A]TGGTCCATCTCCCCCATGTGGGTGATCAGTTTCTTCATCTCGCTTGTGTTAAGAGCAGTC-3'
Protein context (NP_000526.2, residues 829-849): KLITHMGEMD[His839=]PWNCPHGRPT